The following is an entry in ClinVar:

ClinVar aggregate classification (germline): Uncertain significance. Review status: criteria provided, multiple submitters, no conflicts (2 of 4 stars). 4 submissions from 4 submitters: Uncertain significance (4). Last evaluated 2024-07-04.

Conditions:
Glycogen storage disease type X (GSD10). Also called: Glycogen storage disease due to phosphoglycerate mutase deficiency; GSD X; MYOPATHY DUE TO PHOSPHOGLYCERATE MUTASE DEFICIENCY; PGAMM DEFICIENCY; PHOSPHOGLYCERATE MUTASE, MUSCLE, DEFICIENCY OF; Dimauro disease. Identifiers: Orphanet 97234, MedGen C0268149, MONDO:0009865, OMIM 261670.
Inborn genetic diseases. Identifiers: MedGen C0950123, MeSH D030342.

Allele frequency attached by ClinVar (database versions not stated): ExAC 0.00011; gnomAD exomes 0.00018.
gnomAD v4.1: 266 of 1,613,890 alleles (0.016%); highest among the groups gnomAD compares: Non-Finnish European, 0.021%; 1 homozygote.

Submissions (4):

GeneDx
Classification: Uncertain significance. Last evaluated: 2024-07-04. Review status: criteria provided, single submitter. Criteria: GeneDx Variant Classification Process June 2021. Collection method: clinical testing. Allele origin: germline. Affected: yes.
Comment: In silico analysis supports that this missense variant has a deleterious effect on protein structure/function; Has not been previously published as pathogenic or benign to our knowledge

Ambry Genetics
Classification: Uncertain significance for Inborn genetic diseases. Last evaluated: 2023-12-28. Review status: criteria provided, single submitter. Criteria: Ambry Variant Classification Scheme 2023. Collection method: clinical testing. Allele origin: germline.

Blueprint Genetics
Classification: Uncertain significance. Last evaluated: 2023-07-18. Review status: criteria provided, single submitter. Criteria: ACMG Guidelines, 2015. Collection method: clinical testing. Allele origin: germline.

Labcorp Genetics (formerly Invitae), Labcorp
Classification: Uncertain significance for Glycogen storage disease type X. Last evaluated: 2022-06-28. Review status: criteria provided, single submitter. Criteria: Invitae Variant Classification Sherloc (09022015). Collection method: clinical testing. Allele origin: germline.
Comment: This sequence change replaces arginine, which is basic and polar, with tryptophan, which is neutral and slightly polar, at codon 10 of the PGAM2 protein (p.Arg10Trp). This variant is present in population databases (rs529371882, gnomAD 0.02%). This variant has not been reported in the literature in individuals affected with PGAM2-related conditions. Algorithms developed to predict the effect of missense changes on protein structure and function (SIFT, PolyPhen-2, Align-GVGD) all suggest that this variant is likely to be disruptive. In summary, the available evidence is currently insufficient to determine the role of this variant in disease. Therefore, it has been classified as a Variant of Uncertain Significance.

NM_000290.4(PGAM2):c.28C>T (p.Arg10Trp)

Genes: DBNL (drebrin like; plus strand), PGAM2 (phosphoglycerate mutase 2; minus strand). Cytogenetic location: 7p13.
Variant type: single nucleotide variant.
Coding change: c.28C>T on transcript NM_000290.4 (MANE Select); coding-DNA position 28, C replaced by T.
Protein change: p.Arg10Trp; replaces arginine 10 with tryptophan.
Molecular consequence: missense variant. On other transcripts: 3 prime UTR variant (6).
Genome position (GRCh38, 1-based): chr7:44,065,502, G>A on the plus strand (C>T on the coding strand, the complement: PGAM2 is on the minus strand). VCF-style: chr7-44065502-G-A. GRCh37 (hg19) VCF-style: chr7-44105101-G-A.
Other names: c.*4586G>A (NM_001014436.3, NM_001122956.2, NM_001284313.2 and 3 more transcripts); short protein forms R10W.
Identifiers: ClinVar variation 2060414 (VCV002060414.4), dbSNP rs529371882, ClinGen allele CA4236695.